The following is an entry in ClinVar:

ClinVar aggregate classification (germline): Pathogenic/Likely pathogenic. Review status: criteria provided, multiple submitters, no conflicts (2 of 4 stars). 5 submissions from 5 submitters: Pathogenic (1); Likely pathogenic (4). Last evaluated 2026-02-04.

Conditions:
Hereditary cancer-predisposing syndrome. Also called: Neoplastic Syndromes, Hereditary; Hereditary Cancer Syndrome; Tumor predisposition; Hereditary neoplastic syndrome. Identifiers: Orphanet 140162, MedGen C0027672, MeSH D009386, MONDO:0015356.
Familial cancer of breast. Also called: Hereditary breast cancer; BREAST CANCER, FAMILIAL; hereditary breast carcinoma. Identifiers: Orphanet 227535, MedGen C0346153, MONDO:0016419, OMIM 114480. Disease mechanism: loss of function.
Ataxia-telangiectasia syndrome (AT). Also called: LOUIS-BAR SYNDROME; Cerebello-oculocutaneous telangiectasia; Immunodeficiency with ataxia telangiectasia; Ataxia-telangiectasia, complementation group D; AT, COMPLEMENTATION GROUP C; Ataxia-telangiectasia, complementation group E. Identifiers: Orphanet 100, MedGen C0004135, MONDO:0008840, OMIM 208900.

Submissions (5):

Ambry Genetics
Classification: Likely pathogenic for Hereditary cancer-predisposing syndrome. Last evaluated: 2026-02-04. Review status: criteria provided, single submitter. Criteria: Ambry Variant Classification Scheme 2023. Collection method: clinical testing. Allele origin: germline.
Comment: The p.K2717R variant (also known as c.8150A>G), located in coding exon 54 of the ATM gene, results from an A to G substitution at nucleotide position 8150. The lysine at codon 2717 is replaced by arginine, an amino acid with highly similar properties. This alteration has been identified in an ataxia-telangiectasia (AT) cell line and reported to cause exon-skipping based on cDNA analysis (Wright J et al. Am. J. Hum. Genet. 1996 Oct;59:839-46). In silico splice site analysis for this alteration is inconclusive; however, RNA studies have demonstrated that this alteration results in an incomplete splice defect (Ambry internal data). This variant has been identified in individuals with personal and/or family histories of breast and/or ovarian cancer (Singh J et al. Breast Cancer Res. Treat. 2018 Jul;170:189-196; Hauke J et al. Cancer Med. 2018 04;7:1349-1358). Based on internal structural analysis, this variant is anticipated to disrupt a region of known function (Warren C et al. Elife 2022 Jan;11; Knighton DR. et al. Science 1991 Jul;253(5018):414-20). In an assay testing ATM function, this variant showed a functionally abnormal result (Lee KS et al. Cell 2025 Sep;188(18):5081-5099.e27). This amino acid position is highly conserved in available vertebrate species. In addition, as a missense substitution this alteration is predicted to be deleterious by in silico analysis. Based on the majority of available evidence to date, this variant is likely to be pathogenic.

Women's Health and Genetics/Laboratory Corporation of America, LabCorp
Classification: Likely pathogenic for Ataxia-telangiectasia syndrome. Last evaluated: 2025-11-24. Review status: criteria provided, single submitter. Criteria: LabCorp Variant Classification Summary - May 2015. Collection method: clinical testing. Allele origin: germline.
Comment: Variant summary: ATM c.8150A>G (p.Lys2717Arg) results in a conservative amino acid change in the encoded protein sequence. Algorithms developed to predict the effect of missense changes on protein structure and function are either unavailable or do not agree on the potential impact of this missense change. Several computational tools predict a significant impact on normal splicing: One predicts the variant abolishes the canonical 5' splicing donor site and two predict the variant weakens the 5' donor site. Additionally, one tool predicts the variant has no significant impact on splicing. Experimental evidence indicates that this variant affects mRNA splicing, resulting in a premature termination codon (e.g. Wright_1996). The variant was absent in 282750 control chromosomes. c.8150A>G has been observed in an individual affected with Ataxia-telangiectasia syndrome and in individuals affected with breast and/or ovarian cancer (Wright_1996, Hauke_2018, Singh_2018). The following publications have been ascertained in the context of this evaluation (PMID: 29470806, 8808599, 29522266). ClinVar contains an entry for this variant (Variation ID: 481225). Based on the evidence outlined above, the variant was classified as likely pathogenic.

Labcorp Genetics (formerly Invitae), Labcorp
Classification: Pathogenic for Ataxia-telangiectasia syndrome. Last evaluated: 2025-03-23. Review status: criteria provided, single submitter. Criteria: Invitae Variant Classification Sherloc (09022015). Collection method: clinical testing. Allele origin: germline.
Comment: This sequence change replaces lysine, which is basic and polar, with arginine, which is basic and polar, at codon 2717 of the ATM protein (p.Lys2717Arg). RNA analysis indicates that this missense change induces altered splicing and likely results in a shortened protein product. This variant is not present in population databases (gnomAD no frequency). This missense change has been observed in individual(s) with ATM-related conditions (PMID: 8808599, 29470806, 29522266). ClinVar contains an entry for this variant (Variation ID: 481225). An algorithm developed to predict the effect of missense changes on protein structure and function (PolyPhen-2) suggests that this variant is likely to be disruptive. Studies have shown that this missense change results in skipping of 55, but is expected to preserve the integrity of the reading-frame (internal data). This variant disrupts a region of the ATM protein in which other variant(s) (p.Asp2708Asn) have been determined to be pathogenic (PMID: 16941484, 21665257, 22071889, 23632773). This suggests that this is a clinically significant region of the protein, and that variants that disrupt it are likely to be disease-causing. For these reasons, this variant has been classified as Pathogenic.

Myriad Genetics, Inc.
Classification: Likely pathogenic for Familial cancer of breast. Last evaluated: 2024-02-01. Review status: criteria provided, single submitter. Criteria: Myriad Autosomal Dominant, Autosomal Recessive and X-Linked Classification Criteria (2023). Collection method: clinical testing. Allele origin: unknown.
Comment: This variant is considered likely pathogenic. This variant has been reported in multiple individuals with clinical features of gene-specific disease [PMID: 8808599]. mRNA analysis has demonstrated abnormal mRNA splicing occurs [Myriad internal data].

Sema4
Classification: Likely pathogenic for Hereditary cancer-predisposing syndrome. Last evaluated: 2021-04-22. Review status: criteria provided, single submitter. Criteria: Sema4 Curation Guidelines. Collection method: curation. Allele origin: germline.
Comment: The ATM c.8150A>G (p.K2717R) variant has been reported in heterozygosity in at least two individuals undergoing genetic testing related to breast and/or ovarian cancer (PMID: 29470806, 29522266). It has been reported as heterozygous in a cell line derived from an individual with ataxia telangiectasia. A cDNA analysis showed that this variant led to exon skipping in this cell line (PMID: 8808599). Computational analyses and evolutionary conservation suggest that the variant does impact the function of protein, however these predictions have not been confirmed by published functional studies. This variant is not reported in the Genome Aggregation Database (PMID: 32461654). This variant has been reported in ClinVar (Variation ID: 481225). Based on the current evidence available, this variant is interpreted as likely pathogenic.

Literature cited by the submitters: PubMed 29470806 (cited by 4 submitters); PubMed 29522266 (cited by 4 submitters); PubMed 8808599 (cited by 5 submitters); PubMed 16941484 (cited by Labcorp Genetics (formerly Invitae), Labcorp); PubMed 21665257 (cited by Labcorp Genetics (formerly Invitae), Labcorp); PubMed 22071889 (cited by Labcorp Genetics (formerly Invitae), Labcorp); PubMed 23632773 (cited by Labcorp Genetics (formerly Invitae), Labcorp).

NM_000051.4(ATM):c.8150A>G (p.Lys2717Arg)

Genes: ATM (ATM serine/threonine kinase; plus strand), C11orf65 (chromosome 11 open reading frame 65; minus strand). Cytogenetic location: 11q22.3.
Variant type: single nucleotide variant.
Coding change: c.8150A>G on transcript NM_000051.4 (MANE Select); coding-DNA position 8150, A replaced by G.
Protein change: p.Lys2717Arg; replaces lysine 2717 with arginine.
Molecular consequence: missense variant. On other transcripts: intron variant (2).
Genome position (GRCh38, 1-based): chr11:108,335,108, A>G. VCF-style: chr11-108335108-A-G. GRCh37 (hg19) VCF-style: chr11-108205835-A-G.
Other names: c.8150A>G, p.Lys2717Arg (NM_001351834.2); c.641-26037T>C (NM_001330368.2); c.*38+112T>C (NM_001351110.2); short protein forms K2717R.
Identifiers: ClinVar variation 481225 (VCV000481225.14), dbSNP rs1555127353, ClinGen allele CA382562265.